The following is an entry in ClinVar:

NM_002180.3(IGHMBP2):c.2812G>A (p.Ala938Thr)

Gene: IGHMBP2 (immunoglobulin mu DNA binding protein 2; plus strand). Cytogenetic location: 11q13.3.
Variant type: single nucleotide variant.
Coding change: c.2812G>A on transcript NM_002180.3 (MANE Select); coding-DNA position 2812, G replaced by A.
Protein change: p.Ala938Thr; replaces alanine 938 with threonine.
Molecular consequence: missense variant.
Genome position (GRCh38, 1-based): chr11:68,939,561, G>A. VCF-style: chr11-68939561-G-A. GRCh37 (hg19) VCF-style: chr11-68707029-G-A.
Other names: short protein forms A938T.
Identifiers: ClinVar variation 858810 (VCV000858810.10), dbSNP rs763336691, ClinGen allele CA6154027.
Genomic context (GRCh38, chr11:68,939,561, plus strand): 5'-TGAGCCCAGCAGTGATTCTTGTGTCCTCCCCAGATCCATGGCTGCGGTGAGAGGGCTCGC[G>A]CCCATGCCCGGCAGAGAATCAGCCGGGAAGGGGTCCTCTATGCCGGCAGCGGGACCAAGA-3'
Protein context (NP_002171.2, residues 928-948): EIHGCGERAR[Ala938Thr]HARQRISREG

ClinVar aggregate classification (germline): Uncertain significance. Review status: criteria provided, multiple submitters, no conflicts (2 of 4 stars). 2 submissions from 2 submitters: Uncertain significance (2). Last evaluated 2025-10-22.

Conditions:
Inborn genetic diseases. Identifiers: MedGen C0950123, MeSH D030342.
Autosomal recessive distal spinal muscular atrophy 1. Also called: HMN VI; NEURONOPATHY, SEVERE INFANTILE AXONAL, WITH RESPIRATORY FAILURE; SEVERE INFANTILE AXONAL NEUROPATHY WITH RESPIRATORY FAILURE; SPINAL MUSCULAR ATROPHY, DIAPHRAGMATIC; Spinal muscular atrophy with respiratory distress 1; NEURONOPATHY, DISTAL HEREDITARY MOTOR, HARDING TYPE VI. Identifiers: Orphanet 98920, MedGen C1858517, MONDO:0011436, OMIM 604320.
Charcot-Marie-Tooth disease axonal type 2S. Also called: CHARCOT-MARIE-TOOTH NEUROPATHY, TYPE 2S; CHARCOT-MARIE-TOOTH DISEASE, AXONAL, AUTOSOMAL RECESSIVE, TYPE 2S. Identifiers: Orphanet 443073, MedGen C4015349, MONDO:0014511, OMIM 616155.

Allele frequency attached by ClinVar (database versions not stated): gnomAD 0.00001 and 0.00002; gnomAD exomes 0.00001 and 0.00003; TOPMed 0.00002; ExAC 0.00003.
gnomAD v4.1: 24 of 1,612,326 alleles (0.0015%); highest among the groups gnomAD compares: Middle Eastern, 0.039%; no homozygotes.

Submissions (2):

Ambry Genetics
Classification: Uncertain significance for Inborn genetic diseases. Last evaluated: 2025-10-22. Review status: criteria provided, single submitter. Criteria: Ambry Variant Classification Scheme 2023. Collection method: clinical testing. Allele origin: germline.

Labcorp Genetics (formerly Invitae), Labcorp
Classification: Uncertain significance for Autosomal recessive distal spinal muscular atrophy 1; Charcot-Marie-Tooth disease axonal type 2S. Last evaluated: 2021-08-30. Review status: criteria provided, single submitter. Criteria: Invitae Variant Classification Sherloc (09022015). Collection method: clinical testing. Allele origin: germline.
Comment: This sequence change replaces alanine with threonine at codon 938 of the IGHMBP2 protein (p.Ala938Thr). The alanine residue is moderately conserved and there is a small physicochemical difference between alanine and threonine. This variant is present in population databases (rs763336691, ExAC 0.01%). This variant has not been reported in the literature in individuals affected with IGHMBP2-related conditions. Algorithms developed to predict the effect of missense changes on protein structure and function output the following: SIFT: "Deleterious"; PolyPhen-2: "Benign"; Align-GVGD: "Class C0". The threonine amino acid residue is found in multiple mammalian species, which suggests that this missense change does not adversely affect protein function. In summary, the available evidence is currently insufficient to determine the role of this variant in disease. Therefore, it has been classified as a Variant of Uncertain Significance.